The following is an entry in ClinVar:

NM_001367868.2(PLIN4):c.258+2T>C

Gene: PLIN4 (perilipin 4; minus strand). Cytogenetic location: 19p13.3.
Variant type: single nucleotide variant.
Coding change: c.258+2T>C on transcript NM_001367868.2 (MANE Select); the canonical splice donor site of the intron after coding-DNA position 258, T replaced by C.
Molecular consequence: splice donor variant.
Genome position (GRCh38, 1-based): chr19:4,516,615, A>G on the plus strand (T>C on the coding strand, the complement: PLIN4 is on the minus strand). VCF-style: chr19-4516615-A-G. GRCh37 (hg19) VCF-style: chr19-4516627-A-G.
Other names: c.258+2T>C (NM_001393890.1, NM_001393889.1, NM_001393891.1 and 1 more transcripts).
Identifiers: ClinVar variation 4687998 (VCV004687998.1), dbSNP rs915264513.

ClinVar aggregate classification (germline): Likely pathogenic (1 of 4 stars; one submission).

Conditions:
Vacuolar Neuromyopathy (MRUPAV). Also called: MYOPATHY WITH RIMMED UBIQUITIN-POSITIVE AUTOPHAGIC VACUOLATION, AUTOSOMAL DOMINANT; PLIN4-related distal myopathy. Identifiers: Orphanet 696063, MedGen C1866139, MONDO:0011155, OMIM 601846.

gnomAD v4.1: 8 of 1,601,810 alleles (0.0005%); highest among the groups gnomAD compares: East Asian, 0.0023%; no homozygotes.

Submission:

Human Genetics Bochum, Ruhr University Bochum
Classification: Likely pathogenic for Vacuolar Neuromyopathy. Last evaluated: 2024-06-13. Review status: criteria provided, single submitter. Criteria: ACMG Guidelines, 2015. Collection method: clinical testing. Allele origin: germline. Affected: yes.
Comment: ACMG criteria used to clasify this variant: PVS1, PM2_SUP